The following is an entry in ClinVar:

ClinVar aggregate classification (germline): Pathogenic (1 of 4 stars; one submission).

Conditions:
Monocytopenia with susceptibility to infections. Also called: IMMUNODEFICIENCY 21; MONOCYTOPENIA AND MYCOBACTERIAL INFECTION SYNDROME; MONOCYTOPENIA WITH SUSCEPTIBILITY TO MYCOBACTERIAL, FUNGAL, AND PAPILLOMAVIRUS INFECTIONS AND MYELODYSPLASIA; COMBINED IMMUNODEFICIENCY WITH SUSCEPTIBILITY TO MYCOBACTERIAL, VIRAL, AND FUNGAL INFECTIONS; Dendritic cell, monocyte, B lymphocyte, and natural killer lymphocyte deficiency; GATA2 DEFICIENCY. Identifiers: Orphanet 228423, MedGen C3280030, MONDO:0013607, OMIM 614172.

Submission:

Undiagnosed Diseases Network, NIH
Classification: Pathogenic for GATA2 deficiency. Last evaluated: 2018-11-27. Review status: criteria provided, single submitter. Criteria: ACMG Guidelines, 2015. Collection method: clinical testing. Allele origin: unknown. Inheritance: Autosomal dominant inheritance. Affected: yes. Observed: 1 variant allele, 1 heterozygote.

NM_032638.5(GATA2):c.839del (p.Pro280fs)

Gene: GATA2 (GATA binding protein 2; minus strand). Cytogenetic location: 3q21.3.
Variant type: Deletion.
Coding change: c.839del on transcript NM_032638.5 (MANE Select); coding-DNA position 839, one base deleted (C; older notation c.839delC).
Protein change: p.Pro280fs; shifts the reading frame from proline 280.
Molecular consequence: frameshift variant.
Genome position (GRCh38, 1-based): chr3:128,485,759, G deleted on the plus strand (C on the coding strand, the reverse complement: GATA2 is on the minus strand); the first of 4 consecutive G bases (chr3:128,485,759-128,485,762); deleting any one gives the same sequence. VCF-style (leftmost placement, unchanged base first): chr3-128485758-AG-A. GRCh37 (hg19) VCF-style: chr3-128204601-AG-A.
Other names: c.839del, p.Pro280fs (NM_001145661.2, NM_001145662.1); c.839delC (NM_032638.4); short protein forms P280fs.
Identifiers: ClinVar variation 636246 (VCV000636246.3), dbSNP rs1576748366, ClinGen allele CA915941564.